The following is an entry in ClinVar:

ClinVar aggregate classification (germline): Uncertain significance. Review status: criteria provided, multiple submitters, no conflicts (2 of 4 stars). 2 submissions from 2 submitters: Uncertain significance (2). Last evaluated 2022-11-01.

Allele frequency attached by ClinVar (database versions not stated): gnomAD exomes below 0.00001 and 0.00003; TOPMed 0.00002; ExAC 0.00005.
gnomAD v4.1: 6 of 1,614,134 alleles (0.00037%); highest among the groups gnomAD compares: East Asian, 0.013%; no homozygotes.

Submissions (2):

Labcorp Genetics (formerly Invitae), Labcorp
Classification: Uncertain significance. Last evaluated: 2022-11-01. Review status: criteria provided, single submitter. Criteria: Invitae Variant Classification Sherloc (09022015). Collection method: clinical testing. Allele origin: germline.
Comment: This variant has not been reported in the literature in individuals affected with TUBGCP6-related conditions. This sequence change replaces leucine, which is neutral and non-polar, with serine, which is neutral and polar, at codon 698 of the TUBGCP6 protein (p.Leu698Ser). This variant is present in population databases (rs770074986, gnomAD 0.04%). ClinVar contains an entry for this variant (Variation ID: 850320). Algorithms developed to predict the effect of missense changes on protein structure and function output the following: SIFT: "Tolerated"; PolyPhen-2: "Benign"; Align-GVGD: "Class C0". The serine amino acid residue is found in multiple mammalian species, which suggests that this missense change does not adversely affect protein function. In summary, the available evidence is currently insufficient to determine the role of this variant in disease. Therefore, it has been classified as a Variant of Uncertain Significance.

Blueprint Genetics
Classification: Uncertain significance. Last evaluated: 2022-06-30. Review status: criteria provided, single submitter. Criteria: ACMG Guidelines, 2015. Collection method: clinical testing. Allele origin: germline.

NM_020461.4(TUBGCP6):c.2093T>C (p.Leu698Ser)

Gene: TUBGCP6 (tubulin gamma complex component 6; minus strand). Cytogenetic location: 22q13.33.
Variant type: single nucleotide variant.
Coding change: c.2093T>C on transcript NM_020461.4 (MANE Select); coding-DNA position 2093, T replaced by C.
Protein change: p.Leu698Ser; replaces leucine 698 with serine.
Molecular consequence: missense variant.
Genome position (GRCh38, 1-based): chr22:50,224,393, A>G on the plus strand (T>C on the coding strand, the complement: TUBGCP6 is on the minus strand). VCF-style: chr22-50224393-A-G. GRCh37 (hg19) VCF-style: chr22-50662822-A-G.
Other names: short protein forms L698S.
Identifiers: ClinVar variation 850320 (VCV000850320.10), dbSNP rs770074986, ClinGen allele CA10308351.